The following is an entry in ClinVar:

NM_198586.3(NHLRC1):c.1127C>A (p.Ser376Tyr)

Gene: NHLRC1 (NHL repeat containing E3 ubiquitin protein ligase 1; minus strand). Cytogenetic location: 6p22.3.
Variant type: single nucleotide variant.
Coding change: c.1127C>A on transcript NM_198586.3 (MANE Select); coding-DNA position 1127, C replaced by A.
Protein change: p.Ser376Tyr; replaces serine 376 with tyrosine.
Molecular consequence: missense variant.
Genome position (GRCh38, 1-based): chr6:18,121,480, G>T on the plus strand (C>A on the coding strand, the complement: NHLRC1 is on the minus strand). VCF-style: chr6-18121480-G-T. GRCh37 (hg19) VCF-style: chr6-18121711-G-T.
Other names: short protein forms S376Y.
Identifiers: ClinVar variation 452098 (VCV000452098.2), dbSNP rs865887763, ClinGen allele CA134959771.
Genomic context (GRCh38, chr6:18,121,480, plus strand): 5'-CACCCCCAGTCAACTTTATAGACTTTTATAGAATGAGATGCTGTGTCCAGCACAAGAAGA[G>T]AATTCTCCTTGGTGAAGGTAAGAGCCACAGGATGCGAAAGACCATGAGTGACCATGGGCT-3'
Protein context (NP_940988.2, residues 366-386): PVALTFTKEN[Ser376Tyr]LLVLDTASHS

ClinVar aggregate classification (germline): Uncertain significance (1 of 4 stars; one submission).

Allele frequency attached by ClinVar (database versions not stated): gnomAD exomes below 0.00001.
gnomAD v4.1: 1 of 1,614,172 alleles (0.000062%); highest among the groups gnomAD compares: Non-Finnish European, 0.000085%; no homozygotes.

Submission:

GeneDx
Classification: Uncertain significance. Last evaluated: 2017-09-22. Review status: criteria provided, single submitter. Criteria: GeneDx Variant Classification (06012015). Collection method: clinical testing. Allele origin: germline. Affected: yes.
Comment: A variant of uncertain significance has been identified in the NHLRC1 gene. The S376Y variant has not been published as a pathogenic variant, nor has it been reported as a benign variant to our knowledge. The S376Y variant is not observed in large population cohorts (Lek et al., 2016). TheS376Y variant is a semi-conservative amino acid substitution, which may impact secondary protein structure as these residues differ in some properties. However, this substitution occurs at a positionthat is not conserved, and in silico analysis predicts this variant likely does not alter the proteinstructure/function. Therefore, based on the currently available information, it is unclear whether this variant is a pathogenic variant or a rare benign variant.